The following is an entry in ClinVar:

ClinVar aggregate classification (germline): Uncertain significance (1 of 4 stars; one submission).

Conditions:
Inborn genetic diseases. Identifiers: MedGen C0950123, MeSH D030342.

Allele frequency attached by ClinVar (database versions not stated): gnomAD exomes below 0.00001.
gnomAD v4.1: 1 of 1,303,860 alleles (0.000077%); highest among the groups gnomAD compares: Non-Finnish European, 0.00011%; no homozygotes.

Submission:

Ambry Genetics
Classification: Uncertain significance for Inborn genetic diseases. Last evaluated: 2022-07-17. Review status: criteria provided, single submitter. Criteria: Ambry Variant Classification Scheme 2023. Collection method: clinical testing. Allele origin: germline.
Comment: The p.S75F variant (also known as c.224C>T), located in coding exon 3 of the EPAS1 gene, results from a C to T substitution at nucleotide position 224. The serine at codon 75 is replaced by phenylalanine, an amino acid with highly dissimilar properties. This amino acid position is conserved. In addition, this alteration is predicted to be tolerated by in silico analysis. Since supporting evidence is limited at this time, the clinical significance of this alteration remains unclear.

NM_001430.5(EPAS1):c.224C>T (p.Ser75Phe)

Gene: EPAS1 (endothelial PAS domain protein 1; plus strand). Cytogenetic location: 2p21.
Variant type: single nucleotide variant.
Coding change: c.224C>T on transcript NM_001430.5 (MANE Select); coding-DNA position 224, C replaced by T.
Protein change: p.Ser75Phe; replaces serine 75 with phenylalanine.
Molecular consequence: missense variant.
Genome position (GRCh38, 1-based): chr2:46,356,157, C>T. VCF-style: chr2-46356157-C-T. GRCh37 (hg19) VCF-style: chr2-46583296-C-T.
Other names: short protein forms S75F.
Identifiers: ClinVar variation 1788397 (VCV001788397.2), dbSNP rs267599391, ClinGen allele CA46539024.